The following is an entry in ClinVar:

NM_000503.6(EYA1):c.1279G>A (p.Gly427Ser)

Gene: EYA1 (EYA transcriptional coactivator and phosphatase 1; minus strand). Cytogenetic location: 8q13.3.
Variant type: single nucleotide variant.
Coding change: c.1279G>A on transcript NM_000503.6 (MANE Select); coding-DNA position 1279, G replaced by A.
Protein change: p.Gly427Ser; replaces glycine 427 with serine.
Molecular consequence: missense variant.
Genome position (GRCh38, 1-based): chr8:71,216,773, C>T on the plus strand (G>A on the coding strand, the complement: EYA1 is on the minus strand). VCF-style: chr8-71216773-C-T. GRCh37 (hg19) VCF-style: chr8-72129008-C-T.
Other names: c.1261G>A, p.Gly421Ser (NM_001288574.2, NM_172059.5); c.913G>A, p.Gly305Ser (NM_001288575.2); c.1366G>A, p.Gly456Ser (NM_001370333.1); c.1279G>A, p.Gly427Ser (NM_001370334.1, NM_001370335.1, NM_172058.4); c.1258G>A, p.Gly420Ser (NM_001370336.1); c.1180G>A, p.Gly394Ser (NM_001411797.1, NM_172060.4); c.1279G>A (NM_172058.3); short protein forms G305S, G394S, G420S, G427S, G456S, G421S.
Identifiers: ClinVar variation 3595830 (VCV003595830.3).

ClinVar aggregate classification (germline): Uncertain significance. Review status: criteria provided, multiple submitters, no conflicts (2 of 4 stars). 3 submissions from 3 submitters: Uncertain significance (3). Last evaluated 2026-09-04.

Conditions:
EYA1-related disorder. Also called: EYA1-related condition.
Branchiootic syndrome 1 (BOS1). Also called: BO SYNDROME 1; BRANCHIOOTIC DYSPLASIA. Identifiers: MedGen C1865143, MONDO:0011258, OMIM 602588.
Otofaciocervical syndrome 1 (OTFCS). Identifiers: MedGen C3714941, MONDO:0024532, OMIM 166780.
Branchiootorenal syndrome 1. Also called: Branchio-Oto-Renal Syndrome 1. Identifiers: Orphanet 107, MedGen C4551702, MONDO:0007236, OMIM 113650.

gnomAD v4.1: 26 of 1,613,930 alleles (0.0016%); highest among the groups gnomAD compares: East Asian, 0.0045%; no homozygotes.

Submissions (3):

PreventionGenetics, part of Exact Sciences
Classification: Uncertain significance for EYA1-related condition. Last evaluated: 2026-09-04. Review status: criteria provided, single submitter. Criteria: ACMG Guidelines, 2015. Collection method: clinical testing. Allele origin: germline.
Comment: The EYA1 c.1279G>A variant is predicted to result in the amino acid substitution p.Gly427Ser. To our knowledge, this variant has not been reported in the literature. This variant is reported in 0.0029% of alleles in individuals of Latino descent in gnomAD. At this time, the clinical significance of this variant is uncertain due to the absence of conclusive functional and genetic evidence.

Fulgent Genetics
Classification: Uncertain significance for Branchiootorenal syndrome 1; Otofaciocervical syndrome 1; Branchiootic syndrome 1. Last evaluated: 2024-06-17. Review status: criteria provided, single submitter. Criteria: ACMG Guidelines, 2015. Collection method: clinical testing. Allele origin: germline.

Department of Pathology and Laboratory Medicine, Sinai Health System
Classification: Uncertain significance for Branchiootorenal syndrome 1; Otofaciocervical syndrome 1; Branchiootic syndrome 1. Last evaluated: 2022-02-10. Review status: criteria provided, single submitter. Criteria: ACMG Guidelines, 2015. Collection method: research. Allele origin: germline.